The following is an entry in ClinVar:

NM_001128225.3(SLC39A13):c.78C>A (p.Leu26=)

Gene: SLC39A13 (solute carrier family 39 member 13; plus strand). Cytogenetic location: 11p11.2.
Variant type: single nucleotide variant.
Coding change: c.78C>A on transcript NM_001128225.3 (MANE Select); coding-DNA position 78, C replaced by A.
Protein change: p.Leu26=; no amino-acid change (leucine 26 retained).
Molecular consequence: synonymous variant. On other transcripts: non-coding transcript variant (1).
Genome position (GRCh38, 1-based): chr11:47,410,172, C>A. VCF-style: chr11-47410172-C-A. GRCh37 (hg19) VCF-style: chr11-47431723-C-A.
Other names: p.Leu26=; c.78C>A, p.Leu26= (NM_001330245.2, NM_152264.5).
Identifiers: ClinVar variation 469537 (VCV000469537.15), dbSNP rs140844921, ClinGen allele CA5975656.

ClinVar aggregate classification (germline): Likely benign. Review status: criteria provided, multiple submitters, no conflicts (2 of 4 stars). 4 submissions from 4 submitters: Likely benign (4). Last evaluated 2026-04-20.

Conditions:
Ehlers-Danlos syndrome, spondylodysplastic type, 3. Also called: Ehlers-Danlos syndrome, spondylocheirodysplastic type. Identifiers: Orphanet 157965, MedGen C2676510, MONDO:0012873, OMIM 612350.
SLC39A13-related disorder. Also called: SLC39A13-related condition.

Allele frequency attached by ClinVar (database versions not stated): gnomAD exomes 0.00002 and 0.00011; ESP Exome Variant Server 0.00008; TOPMed 0.00011; ExAC 0.00013; gnomAD 0.00013; 1000 Genomes Project 30x 0.00016; 1000 Genomes Project 0.00020.
gnomAD v4.1: 55 of 1,613,580 alleles (0.0034%); highest among the groups gnomAD compares: Admixed American, 0.063%; no homozygotes.

Submissions (4):

PreventionGenetics, part of Exact Sciences
Classification: Likely benign for SLC39A13-related condition. Last evaluated: 2026-04-20. Review status: criteria provided, single submitter. Criteria: ACMG Guidelines, 2015. Collection method: clinical testing. Allele origin: germline.
Comment: This variant is classified as likely benign based on ACMG/AMP sequence variant interpretation guidelines (Richards et al. 2015 PMID: 25741868, with internal and published modifications).

Labcorp Genetics (formerly Invitae), Labcorp
Classification: Likely benign for Ehlers-Danlos syndrome, spondylodysplastic type, 3. Last evaluated: 2026-01-19. Review status: criteria provided, single submitter. Criteria: Invitae Variant Classification Sherloc (09022015). Collection method: clinical testing. Allele origin: germline.

Mayo Clinic Laboratories, Mayo Clinic
Classification: Likely benign. Last evaluated: 2025-10-20. Review status: criteria provided, single submitter. Criteria: ACMG Guidelines, 2015. Collection method: clinical testing. Allele origin: germline. Observed: 2 variant alleles.
Comment: BP4, BP7

GeneDx
Classification: Likely benign. Last evaluated: 2021-02-22. Review status: criteria provided, single submitter. Criteria: GeneDx Variant Classification Process June 2021. Collection method: clinical testing. Allele origin: germline. Affected: yes.